The following is an entry in ClinVar:

ClinVar aggregate classification (germline): Benign/Likely benign. Review status: criteria provided, multiple submitters, no conflicts (2 of 4 stars). 4 submissions from 4 submitters: Benign (1); Likely benign (3). Last evaluated 2026-01-29.

Allele frequency attached by ClinVar (database versions not stated): 1000 Genomes Project 30x 0.01109; 1000 Genomes Project 0.01158; gnomAD exomes 0.00088 and 0.00232; ExAC 0.00272; gnomAD 0.00877 and 0.00936; TOPMed 0.00975; ESP Exome Variant Server 0.00996.
gnomAD v4.1: 2,696 of 1,613,814 alleles (0.17%); highest among the groups gnomAD compares: African/African-American, 3%; 36 homozygotes.

Submissions (4):

Labcorp Genetics (formerly Invitae), Labcorp
Classification: Benign. Last evaluated: 2026-01-29. Review status: criteria provided, single submitter. Criteria: Invitae Variant Classification Sherloc (09022015). Collection method: clinical testing. Allele origin: germline.

GeneDx
Classification: Likely benign. Last evaluated: 2021-02-19. Review status: criteria provided, single submitter. Criteria: GeneDx Variant Classification Process June 2021. Collection method: clinical testing. Allele origin: germline. Affected: yes.

Genetic Services Laboratory, University of Chicago
Classification: Likely benign. Last evaluated: 2014-01-08. Review status: criteria provided, single submitter. Criteria: ACMG Guidelines, 2007. Collection method: clinical testing. Allele origin: germline. Inheritance: Autosomal dominant inheritance.
Comment: Likely benign based on allele frequency in 1000 Genomes Project or ESP global frequency and its presence in a patient with a rare or unrelated disease phenotype. NOT Sanger confirmed

Breakthrough Genomics
Classification: Likely benign. Review status: criteria provided, single submitter. Criteria: ACMG Guidelines, 2015. Collection method: not provided. Allele origin: germline. Inheritance: Autosomal dominant inheritance. Affected: yes.

NM_019066.5(MAGEL2):c.3229T>C (p.Leu1077=)

Gene: MAGEL2 (MAGE family member L2; minus strand). Cytogenetic location: 15q11.2.
Variant type: single nucleotide variant.
Coding change: c.3229T>C on transcript NM_019066.5 (MANE Select); coding-DNA position 3229, T replaced by C.
Protein change: p.Leu1077=; no amino-acid change (leucine 1077 retained).
Molecular consequence: synonymous variant.
Genome position (GRCh38, 1-based): chr15:23,644,514, A>G on the plus strand (T>C on the coding strand, the complement: MAGEL2 is on the minus strand). VCF-style: chr15-23644514-A-G. GRCh37 (hg19) VCF-style: chr15-23889661-A-G.
Identifiers: ClinVar variation 158813 (VCV000158813.20), dbSNP rs2233071, ClinGen allele CA172485.